The following is an entry in ClinVar:

NM_001605.3(AARS1):c.1837T>C (p.Phe613Leu)

Gene: AARS1 (alanyl-tRNA synthetase 1; minus strand). Cytogenetic location: 16q22.1.
Variant type: single nucleotide variant.
Coding change: c.1837T>C on transcript NM_001605.3 (MANE Select); coding-DNA position 1837, T replaced by C.
Protein change: p.Phe613Leu; replaces phenylalanine 613 with leucine.
Molecular consequence: missense variant.
Genome position (GRCh38, 1-based): chr16:70,259,135, A>G on the plus strand (T>C on the coding strand, the complement: AARS1 is on the minus strand). VCF-style: chr16-70259135-A-G. GRCh37 (hg19) VCF-style: chr16-70293038-A-G.
Other names: short protein forms F613L.
Identifiers: ClinVar variation 2807478 (VCV002807478.3), dbSNP rs1960071779, ClinGen allele CA396558261.

ClinVar aggregate classification (germline): Uncertain significance (1 of 4 stars; one submission).

Conditions:
Charcot-Marie-Tooth disease type 2. Also called: Charcot-Marie-Tooth type 2. Identifiers: Orphanet 64746, MedGen C0270914, MONDO:0018993.

Submission:

Labcorp Genetics (formerly Invitae), Labcorp
Classification: Uncertain significance for Charcot-Marie-Tooth disease type 2. Last evaluated: 2024-09-06. Review status: criteria provided, single submitter. Criteria: Invitae Variant Classification Sherloc (09022015). Collection method: clinical testing. Allele origin: germline.
Comment: This sequence change replaces phenylalanine, which is neutral and non-polar, with leucine, which is neutral and non-polar, at codon 613 of the AARS protein (p.Phe613Leu). This variant is not present in population databases (gnomAD no frequency). This variant has not been reported in the literature in individuals affected with AARS-related conditions. Invitae Evidence Modeling of protein sequence and biophysical properties (such as structural, functional, and spatial information, amino acid conservation, physicochemical variation, residue mobility, and thermodynamic stability) indicates that this missense variant is not expected to disrupt AARS protein function with a negative predictive value of 95%. In summary, the available evidence is currently insufficient to determine the role of this variant in disease. Therefore, it has been classified as a Variant of Uncertain Significance.